The following is an entry in ClinVar:

ClinVar aggregate classification (germline): Uncertain significance (1 of 4 stars; one submission).

Conditions:
Hereditary cancer-predisposing syndrome. Also called: Hereditary Cancer Syndrome; Neoplastic Syndromes, Hereditary; Tumor predisposition; Hereditary neoplastic syndrome. Identifiers: Orphanet 140162, MedGen C0027672, MeSH D009386, MONDO:0015356.

Allele frequency attached by ClinVar (database versions not stated): ExAC 0.00001.

Submission:

Ambry Genetics
Classification: Uncertain significance for Hereditary cancer-predisposing syndrome. Last evaluated: 2021-03-11. Review status: criteria provided, single submitter. Criteria: Ambry Variant Classification Scheme 2023. Collection method: clinical testing. Allele origin: germline.
Comment: The p.G525R variant (also known as c.1573G>A), located in coding exon 14 of the CHEK2 gene, results from a G to A substitution at nucleotide position 1573. The glycine at codon 525 is replaced by arginine, an amino acid with dissimilar properties. This amino acid position is not well conserved in available vertebrate species. In addition, this alteration is predicted to be tolerated by in silico analysis. Since supporting evidence is limited at this time, the clinical significance of this alteration remains unclear.

NM_007194.4(CHEK2):c.1573G>A (p.Gly525Arg)

Gene: CHEK2 (checkpoint kinase 2; minus strand). Cytogenetic location: 22q12.1.
Variant type: single nucleotide variant.
Coding change: c.1573G>A on transcript NM_007194.4 (MANE Select); coding-DNA position 1573, G replaced by A.
Protein change: p.Gly525Arg; replaces glycine 525 with arginine.
Molecular consequence: missense variant.
Genome position (GRCh38, 1-based): chr22:28,687,956, C>T on the plus strand (G>A on the coding strand, the complement: CHEK2 is on the minus strand). VCF-style: chr22-28687956-C-T. GRCh37 (hg19) VCF-style: chr22-29083944-C-T.
Other names: c.1702G>A, p.Gly568Arg (NM_001005735.3); c.910G>A, p.Gly304Arg (NM_001257387.3); c.1372G>A, p.Gly458Arg (NM_001349956.3); c.1486G>A, p.Gly496Arg (NM_145862.3); short protein forms G525R, G304R, G568R, G458R, G496R.
Identifiers: ClinVar variation 479581 (VCV000479581.5), dbSNP rs780512032, ClinGen allele CA10167608.